The following is an entry in ClinVar:

NM_004100.5(EYA4):c.83+5A>G

Gene: EYA4 (EYA transcriptional coactivator and phosphatase 4; plus strand). Cytogenetic location: 6q23.2.
Variant type: single nucleotide variant.
Coding change: c.83+5A>G on transcript NM_004100.5 (MANE Select); 5 bases into the intron after coding-DNA position 83, A replaced by G.
Molecular consequence: intron variant.
Genome position (GRCh38, 1-based): chr6:133,382,446, A>G. VCF-style: chr6-133382446-A-G. GRCh37 (hg19) VCF-style: chr6-133703584-A-G.
Other names: c.83+5A>G (NM_001301013.2, NM_172105.4, NM_001370458.1 and 3 more transcripts).
Identifiers: ClinVar variation 410660 (VCV000410660.11), dbSNP rs1060502995, ClinGen allele CA16611947.

ClinVar aggregate classification (germline): Conflicting classifications of pathogenicity. Review status: criteria provided, conflicting classifications (1 of 4 stars). 4 submissions from 4 submitters: Uncertain significance (3); Likely benign (1). Last evaluated 2025-10-27.

Conditions:
Cardiovascular phenotype. Identifiers: MedGen CN230736.
Dilated cardiomyopathy 1J (CMD1J). Also called: CARDIOMYOPATHY, DILATED, WITH SENSORINEURAL HEARING LOSS, AUTOSOMAL DOMINANT. Identifiers: Orphanet 217622, MedGen C1854368, MONDO:0011541, OMIM 605362.
Autosomal dominant nonsyndromic hearing loss 10. Identifiers: Orphanet 90635, MedGen C1832476, MONDO:0011031, OMIM 601316.

Allele frequency attached by ClinVar (database versions not stated): TOPMed below 0.00001; gnomAD 0.00001; gnomAD exomes 0.00001.
gnomAD v4.1: 22 of 1,602,292 alleles (0.0014%); highest among the groups gnomAD compares: East Asian, 0.0022%; no homozygotes.

Submissions (4):

Labcorp Genetics (formerly Invitae), Labcorp
Classification: Uncertain significance for Dilated cardiomyopathy 1J. Last evaluated: 2025-10-27. Review status: criteria provided, single submitter. Criteria: Invitae Variant Classification Sherloc (09022015). Collection method: clinical testing. Allele origin: germline.
Comment: This sequence change falls in intron 3 of the EYA4 gene. It does not directly change the encoded amino acid sequence of the EYA4 protein. It affects a nucleotide within the consensus splice site. This variant is not present in population databases (gnomAD no frequency). This variant has not been reported in the literature in individuals affected with EYA4-related conditions. ClinVar contains an entry for this variant (Variation ID: 410660). Variants that disrupt the consensus splice site are a relatively common cause of aberrant splicing (PMID: 17576681, 9536098). Algorithms developed to predict the effect of sequence changes on RNA splicing suggest that this variant is not likely to affect RNA splicing. In summary, the available evidence is currently insufficient to determine the role of this variant in disease. Therefore, it has been classified as a Variant of Uncertain Significance.

Ambry Genetics
Classification: Uncertain significance for Cardiovascular phenotype. Last evaluated: 2025-06-10. Review status: criteria provided, single submitter. Criteria: Ambry Variant Classification Scheme 2023. Collection method: clinical testing. Allele origin: germline.
Comment: The c.83+5A>G intronic variant results from an A to G substitution 5 nucleotides after coding exon 2 in the EYA4 gene. This nucleotide position is not well conserved in available vertebrate species. In silico splice site analysis predicts that this alteration will not have any significant effect on splicing. Based on the available evidence, the clinical significance of this variant remains unclear.

Blueprint Genetics
Classification: Likely benign. Last evaluated: 2023-10-25. Review status: criteria provided, single submitter. Criteria: ACMG Guidelines, 2015. Collection method: clinical testing. Allele origin: germline.

Fulgent Genetics
Classification: Uncertain significance for Autosomal dominant nonsyndromic hearing loss 10; Dilated cardiomyopathy 1J. Last evaluated: 2021-10-21. Review status: criteria provided, single submitter. Criteria: ACMG Guidelines, 2015. Collection method: clinical testing. Allele origin: unknown.

Literature cited by the submitters: PubMed 17576681 (cited by Labcorp Genetics (formerly Invitae), Labcorp); PubMed 9536098 (cited by Labcorp Genetics (formerly Invitae), Labcorp).